The following is an entry in ClinVar:

NM_004113.6(FGF12):c.506C>T (p.Thr169Ile)

Gene: FGF12 (fibroblast growth factor 12; minus strand). Cytogenetic location: 3q28.
Variant type: single nucleotide variant.
Coding change: c.506C>T on transcript NM_004113.6 (MANE Select); coding-DNA position 506, C replaced by T.
Protein change: p.Thr169Ile; replaces threonine 169 with isoleucine.
Molecular consequence: missense variant.
Genome position (GRCh38, 1-based): chr3:192,144,049, G>A on the plus strand (C>T on the coding strand, the complement: FGF12 is on the minus strand). VCF-style: chr3-192144049-G-A. GRCh37 (hg19) VCF-style: chr3-191861838-G-A.
Other names: c.395C>T, p.Thr132Ile (NM_001377292.1); c.434C>T, p.Thr145Ile (NM_001377293.1, NM_001377294.1); c.692C>T, p.Thr231Ile (NM_021032.5); short protein forms T231I, T145I, T169I, T132I.
Identifiers: ClinVar variation 1989613 (VCV001989613.4), dbSNP rs2473889678, ClinGen allele CA355865641.

ClinVar aggregate classification (germline): Uncertain significance (1 of 4 stars; one submission).

gnomAD v4.1: 2 of 1,613,594 alleles (0.00012%); highest among the groups gnomAD compares: South Asian, 0.0011%; no homozygotes.

Submission:

Labcorp Genetics (formerly Invitae), Labcorp
Classification: Uncertain significance. Last evaluated: 2022-08-20. Review status: criteria provided, single submitter. Criteria: Invitae Variant Classification Sherloc (09022015). Collection method: clinical testing. Allele origin: germline.
Comment: In summary, the available evidence is currently insufficient to determine the role of this variant in disease. Therefore, it has been classified as a Variant of Uncertain Significance. Algorithms developed to predict the effect of missense changes on protein structure and function (SIFT, PolyPhen-2, Align-GVGD) all suggest that this variant is likely to be tolerated. This variant has not been reported in the literature in individuals affected with FGF12-related conditions. This variant is not present in population databases (gnomAD no frequency). This sequence change replaces threonine, which is neutral and polar, with isoleucine, which is neutral and non-polar, at codon 231 of the FGF12 protein (p.Thr231Ile).